The following is an entry in ClinVar:

NM_001206999.2(CIT):c.445T>C (p.Leu149=)

Gene: CIT (citron rho-interacting serine/threonine kinase; minus strand). Cytogenetic location: 12q24.23.
Variant type: single nucleotide variant.
Coding change: c.445T>C on transcript NM_001206999.2 (MANE Select); coding-DNA position 445, T replaced by C.
Protein change: p.Leu149=; no amino-acid change (leucine 149 retained).
Molecular consequence: synonymous variant.
Genome position (GRCh38, 1-based): chr12:119,850,245, A>G on the plus strand (T>C on the coding strand, the complement: CIT is on the minus strand). VCF-style: chr12-119850245-A-G. GRCh37 (hg19) VCF-style: chr12-120288049-A-G.
Other names: c.445T>C, p.Leu149= (NM_007174.3).
Identifiers: ClinVar variation 3771982 (VCV003771982.13).

ClinVar aggregate classification (germline): Likely benign (1 of 4 stars; one submission).

gnomAD v4.1: 12 of 1,613,358 alleles (0.00074%); highest among the groups gnomAD compares: South Asian, 0.0011%; no homozygotes.

Submission:

CeGaT Center for Human Genetics Tuebingen
Classification: Likely benign. Last evaluated: 2024-12-01. Review status: criteria provided, single submitter. Criteria: CeGaT Center For Human Genetics Tuebingen Variant Classification Criteria Version 2. Collection method: clinical testing. Allele origin: germline. Affected: yes. Observed: 1 variant allele.
Comment: CIT: BP4, BP7